The following is an entry in ClinVar:

ClinVar aggregate classification (germline): Conflicting classifications of pathogenicity. Review status: criteria provided, conflicting classifications (1 of 4 stars). 6 submissions from 6 submitters: Likely pathogenic (1); Uncertain significance (5). Last evaluated 2024-08-06.

Conditions:
Retinitis pigmentosa 19 (RP19). Also called: ABCA4-Related Retinitis Pigmentosa. Identifiers: Orphanet 791, MedGen C1866422, MONDO:0011137, OMIM 601718.
Severe early-childhood-onset retinal dystrophy (STGD1). Also called: Stargardt macular dystrophy; Juvenile onset macular degeneration; Stargardt disease 1; MACULAR DYSTROPHY WITH FLECKS, TYPE 1; STGD. Identifiers: Orphanet 364055, Orphanet 827, MedGen C1855465, MeSH D000080362, MONDO:0009549, OMIM 248200.
Cone-rod dystrophy 3 (CORD3). Identifiers: Orphanet 1872, MedGen C1858806, MONDO:0011395, OMIM 604116.
Age related macular degeneration 2. Also called: MACULAR DEGENERATION, SENILE; MACULOPATHY, AGE-RELATED, 2; MACULOPATHY, AGE-RELATED. Identifiers: MedGen C3495438, MONDO:0007932, OMIM 153800.

Allele frequency attached by ClinVar (database versions not stated): TOPMed 0.00001.
gnomAD v4.1: 41 of 1,613,900 alleles (0.0025%); highest among the groups gnomAD compares: Non-Finnish European, 0.0032%; 1 homozygote.

Submissions (6):

Labcorp Genetics (formerly Invitae), Labcorp
Classification: Uncertain significance. Last evaluated: 2024-08-06. Review status: criteria provided, single submitter. Criteria: Invitae Variant Classification Sherloc (09022015). Collection method: clinical testing. Allele origin: germline.
Comment: This sequence change replaces arginine, which is basic and polar, with serine, which is neutral and polar, at codon 226 of the ABCA4 protein (p.Arg226Ser). This variant is present in population databases (rs149780335, gnomAD 0.01%). This missense change has been observed in individual(s) with clinical features of ABCA4-related conditions and/or macular dystrophy (PMID: 33546218; Invitae). ClinVar contains an entry for this variant (Variation ID: 930839). Advanced modeling of protein sequence and biophysical properties (such as structural, functional, and spatial information, amino acid conservation, physicochemical variation, residue mobility, and thermodynamic stability) has been performed at Invitae for this missense variant, however the output from this modeling did not meet the statistical confidence thresholds required to predict the impact of this variant on ABCA4 protein function. Algorithms developed to predict the effect of sequence changes on RNA splicing suggest that this variant may disrupt the consensus splice site. In summary, the available evidence is currently insufficient to determine the role of this variant in disease. Therefore, it has been classified as a Variant of Uncertain Significance.

Blueprint Genetics
Classification: Uncertain significance. Last evaluated: 2024-06-20. Review status: criteria provided, single submitter. Criteria: ACMG Guidelines, 2015. Collection method: clinical testing. Allele origin: germline.

CeGaT Center for Human Genetics Tuebingen
Classification: Uncertain significance. Last evaluated: 2023-07-01. Review status: criteria provided, single submitter. Criteria: CeGaT Center For Human Genetics Tuebingen Variant Classification Criteria Version 2. Collection method: clinical testing. Allele origin: germline. Affected: yes. Observed: 1 variant allele.
Comment: ABCA4: PP3

Department of Pathology and Laboratory Medicine, Sinai Health System
Classification: Uncertain significance for Severe early-childhood-onset retinal dystrophy; Retinitis pigmentosa 19; Cone-rod dystrophy 3. Last evaluated: 2023-04-26. Review status: criteria provided, single submitter. Criteria: ACMG Guidelines, 2015. Collection method: research. Allele origin: germline.

Institute of Medical Molecular Genetics, University of Zurich
Classification: Likely pathogenic for Severe early-childhood-onset retinal dystrophy. Last evaluated: 2021-01-30. Review status: criteria provided, single submitter. Criteria: ACMG Guidelines, 2015. Collection method: clinical testing. Allele origin: unknown. Affected: yes.

Centre for Mendelian Genomics, University Medical Centre Ljubljana
Classification: Uncertain significance for Age related macular degeneration 2. Last evaluated: 2019-11-12. Review status: criteria provided, single submitter. Criteria: ACMG Guidelines, 2015. Collection method: clinical testing. Allele origin: unknown. Affected: yes.
Comment: This variant was classified as: Uncertain significance. The available evidence favors the pathogenic nature of this variant, however the currently available data is insufficient to conclusively support its pathogenic nature. Thus this variant is classified as Uncertain significance - favor pathogenic. The following ACMG criteria were applied in classifying this variant: PM1,PM2,PP2.

Literature cited by the submitters: PubMed 33546218 (cited by Labcorp Genetics (formerly Invitae), Labcorp).

NM_000350.3(ABCA4):c.676C>A (p.Arg226Ser)

Gene: ABCA4 (ATP binding cassette subfamily A member 4; minus strand). Cytogenetic location: 1p22.1.
Variant type: single nucleotide variant.
Coding change: c.676C>A on transcript NM_000350.3 (MANE Select); coding-DNA position 676, C replaced by A.
Protein change: p.Arg226Ser; replaces arginine 226 with serine.
Molecular consequence: missense variant.
Genome position (GRCh38, 1-based): chr1:94,098,886, G>T on the plus strand (C>A on the coding strand, the complement: ABCA4 is on the minus strand). VCF-style: chr1-94098886-G-T. GRCh37 (hg19) VCF-style: chr1-94564442-G-T.
Other names: c.676C>A, p.Arg226Ser (NM_001425324.1); short protein forms R226S.
Identifiers: ClinVar variation 930839 (VCV000930839.37), dbSNP rs149780335, ClinGen allele CA958769.